The following is an entry in ClinVar:

ClinVar aggregate classification (germline): Uncertain significance (1 of 4 stars; one submission).

gnomAD v4.1: 3 of 1,612,264 alleles (0.00019%); highest among the groups gnomAD compares: Non-Finnish European, 0.00025%; no homozygotes.

Submission:

GeneDx
Classification: Uncertain significance. Last evaluated: 2023-08-02. Review status: criteria provided, single submitter. Criteria: GeneDx Variant Classification Process June 2021. Collection method: clinical testing. Allele origin: germline. Affected: yes.
Comment: Not observed at significant frequency in large population cohorts (gnomAD); In silico analysis supports that this missense variant has a deleterious effect on protein structure/function; Has not been previously published as pathogenic or benign to our knowledge

NM_014633.5(CTR9):c.554A>G (p.Tyr185Cys)

Gene: CTR9 (CTR9 homolog, Paf1/RNA polymerase II complex component; plus strand). Cytogenetic location: 11p15.4.
Variant type: single nucleotide variant.
Coding change: c.554A>G on transcript NM_014633.5 (MANE Select); coding-DNA position 554, A replaced by G.
Protein change: p.Tyr185Cys; replaces tyrosine 185 with cysteine.
Molecular consequence: missense variant.
Genome position (GRCh38, 1-based): chr11:10,756,800, A>G. VCF-style: chr11-10756800-A-G. GRCh37 (hg19) VCF-style: chr11-10778347-A-G.
Other names: c.554A>G, p.Tyr185Cys (NM_001346279.2); short protein forms Y185C.
Identifiers: ClinVar variation 3361609 (VCV003361609.1).
Genomic context (GRCh38, chr11:10,756,800, plus strand): 5'-TCATTACAGGTAAAGCTTGCATTTCCTTCAACAAGAAGGATTACAGAGGAGCTCTTGCTT[A>G]CTATAAGAAAGCATTGCGTACTAACCCAGGATGTCCAGGTAAGAGAAAAATTTTATTTTA-3'
Protein context (NP_055448.1, residues 175-195): NKKDYRGALA[Tyr185Cys]YKKALRTNPG